The following is an entry in ClinVar:

ClinVar aggregate classification (germline): Uncertain significance (1 of 4 stars; one submission).

Conditions:
ALG12-congenital disorder of glycosylation (CDG1G). Also called: ALG12-CDG; Congenital disorder of glycosylation, type Ig; CDG Ig. Identifiers: Orphanet 79324, MedGen C2931001, MONDO:0011783, OMIM 607143.

Allele frequency attached by ClinVar (database versions not stated): gnomAD 0.00001.
gnomAD v4.1: 1 of 1,614,136 alleles (0.000062%); highest among the groups gnomAD compares: Non-Finnish European, 0.000085%; no homozygotes.

Submission:

Labcorp Genetics (formerly Invitae), Labcorp
Classification: Uncertain significance for ALG12-congenital disorder of glycosylation. Last evaluated: 2022-08-09. Review status: criteria provided, single submitter. Criteria: Invitae Variant Classification Sherloc (09022015). Collection method: clinical testing. Allele origin: germline.
Comment: In summary, the available evidence is currently insufficient to determine the role of this variant in disease. Therefore, it has been classified as a Variant of Uncertain Significance. Algorithms developed to predict the effect of missense changes on protein structure and function are either unavailable or do not agree on the potential impact of this missense change (SIFT: "Tolerated"; PolyPhen-2: "Possibly Damaging"; Align-GVGD: "Class C0"). ClinVar contains an entry for this variant (Variation ID: 571776). This variant has not been reported in the literature in individuals affected with ALG12-related conditions. This variant is not present in population databases (gnomAD no frequency). This sequence change replaces glutamic acid, which is acidic and polar, with aspartic acid, which is acidic and polar, at codon 482 of the ALG12 protein (p.Glu482Asp).

NM_024105.4(ALG12):c.1446G>C (p.Glu482Asp)

Gene: ALG12 (ALG12 alpha-1,6-mannosyltransferase; minus strand). Cytogenetic location: 22q13.33.
Variant type: single nucleotide variant.
Coding change: c.1446G>C on transcript NM_024105.4 (MANE Select); coding-DNA position 1446, G replaced by C.
Protein change: p.Glu482Asp; replaces glutamic acid 482 with aspartic acid.
Molecular consequence: missense variant.
Genome position (GRCh38, 1-based): chr22:49,903,859, C>G on the plus strand (G>C on the coding strand, the complement: ALG12 is on the minus strand). VCF-style: chr22-49903859-C-G. GRCh37 (hg19) VCF-style: chr22-50297507-C-G.
Other names: short protein forms E482D.
Identifiers: ClinVar variation 571776 (VCV000571776.8), dbSNP rs1569172835, ClinGen allele CA412071428.
Genomic context (GRCh38, chr22:49,903,859, plus strand): 5'-CTGGAAGGCCTGTGGCTGCTGAGGGCTGCCTGGTCCCCCTCAGGACGGCCGGGGGAGCCT[C>G]TCCAGAAGCACCAGCTTTGTCTGCAGGTGGACGTTGAAGGGGGGCAGTTGGGTCAGGTTC-3'
Protein context (NP_077010.1, residues 472-488): VHLQTKLVLL[Glu482Asp]RLPRPS